The following is an entry in ClinVar:

NM_020975.6(RET):c.3027_3039+19dup

Gene: RET (ret proto-oncogene; plus strand). Cytogenetic location: 10q11.21.
Variant type: Duplication.
Coding change: c.3027_3039+19dup on transcript NM_020975.6 (MANE Select); coding-DNA position 3027 through 19 bases into the intron after coding-DNA position 3039, 32 bases duplicated.
Molecular consequence: splice donor variant.
Genome position (GRCh38, 1-based): chr10:43,124,970-43,125,001, 32 bases duplicated; duplicating any 32 consecutive bases within chr10:43,124,968-43,125,001 gives the same sequence; the c. name uses the placement nearest the transcript's 3' end. GRCh37 (hg19): chr10:43,620,418-43,620,449.
Other names: c.3027_3039+19dupGGTTAAGAGGAGAGTGAGTGCCTGGGTCCAAT (NM_020975.4); c.3027_3039+19dup (NM_020630.7, NM_001406743.1, NM_001406744.1 and 2 more transcripts); c.2892_2904+19dup (NM_001406765.1, NM_001406763.1); c.2631_2643+19dup (NM_001406772.1, NM_001406769.1); c.2589_2601+19dup (NM_001406773.1, NM_001406771.1); c.2130_2142+19dup (NM_001406782.1, NM_001406780.1, NM_001406779.1 and 1 more transcripts); c.1995_2007+19dup (NM_001406787.1); c.2010_2022+19dup (NM_001406785.1); and 11 more.
Identifiers: ClinVar variation 3716197 (VCV003716197.2).

ClinVar aggregate classification (germline): Uncertain significance. Review status: criteria provided, multiple submitters, no conflicts (2 of 4 stars). 2 submissions from 2 submitters: Uncertain significance (2). Last evaluated 2025-01-21.

Conditions:
Multiple endocrine neoplasia, type 2 (MEN2). Identifiers: Orphanet 653, MedGen C4048306, MONDO:0019003. Disease mechanism: gain of function.
Hereditary cancer-predisposing syndrome. Also called: Tumor predisposition; Hereditary Cancer Syndrome; Hereditary neoplastic syndrome; Neoplastic Syndromes, Hereditary. Identifiers: Orphanet 140162, MedGen C0027672, MeSH D009386, MONDO:0015356.

Submissions (2):

Ambry Genetics
Classification: Uncertain significance for Hereditary cancer-predisposing syndrome. Last evaluated: 2025-01-21. Review status: criteria provided, single submitter. Criteria: Ambry Variant Classification Scheme 2023. Collection method: clinical testing. Allele origin: germline.
Comment: The c.3027_3039+19dup32 variant results from a duplication of 32 nucleotides between positions 3027 and 3039+19 and involves the canonical splice donor site after coding exon 18 of the RET gene. In silico splice site analysis predicts that this alteration will weaken the native splice donor site and will result in the creation or strengthening of a novel splice donor site. The canonical splice donor site is highly conserved in available vertebrate species. Based on the available evidence, the clinical significance of this variant remains unclear.

Labcorp Genetics (formerly Invitae), Labcorp
Classification: Uncertain significance for Multiple endocrine neoplasia, type 2. Last evaluated: 2024-06-19. Review status: criteria provided, single submitter. Criteria: Invitae Variant Classification Sherloc (09022015). Collection method: clinical testing. Allele origin: germline.
Comment: This sequence change falls in intron 18 of the RET gene. It does not directly change the encoded amino acid sequence of the RET protein. This variant is not present in population databases (gnomAD no frequency). This variant has not been reported in the literature in individuals affected with RET-related conditions. Experimental studies and prediction algorithms are not available or were not evaluated, and the effect of this variant on mRNA splicing is currently unknown. In summary, the available evidence is currently insufficient to determine the role of this variant in disease. Therefore, it has been classified as a Variant of Uncertain Significance.